The following is an entry in ClinVar:

NM_001267550.2(TTN):c.101557A>G (p.Lys33853Glu)

Genes: TTN (titin; minus strand), TTN-AS1 (TTN antisense RNA 1; plus strand). Cytogenetic location: 2q31.2.
Variant type: single nucleotide variant.
Coding change: c.101557A>G on transcript NM_001267550.2 (MANE Select); coding-DNA position 101557, A replaced by G.
Protein change: p.Lys33853Glu; replaces lysine 33853 with glutamic acid.
Molecular consequence: missense variant.
Genome position (GRCh38, 1-based): chr2:178,535,058, T>C on the plus strand (A>G on the coding strand, the complement: TTN is on the minus strand). VCF-style: chr2-178535058-T-C. GRCh37 (hg19) VCF-style: chr2-179399785-T-C.
Other names: p.K32212E:AAA>GAA; c.74362A>G, p.Lys24788Glu (NM_003319.4); c.74737A>G, p.Lys24913Glu (NM_133432.3); c.74938A>G, p.Lys24980Glu (NM_133437.4); c.96634A>G, p.Lys32212Glu (NM_001256850.1); c.93853A>G, p.Lys31285Glu (NM_133378.4); short protein forms K31285E, K33853E, K32212E, K24788E, K24980E, K24913E.
Identifiers: ClinVar variation 179836 (VCV000179836.8), dbSNP rs727505163, ClinGen allele CA185238.

ClinVar aggregate classification (germline): Uncertain significance. Review status: criteria provided, multiple submitters, no conflicts (2 of 4 stars). 3 submissions from 3 submitters: Uncertain significance (3). Last evaluated 2017-01-10.

Conditions:
Dilated cardiomyopathy 1G (CMD1G). Identifiers: Orphanet 154, MedGen C1858763, MONDO:0011400, OMIM 604145.
Autosomal recessive limb-girdle muscular dystrophy type 2J (LGMDR10). Also called: Limb-girdle muscular dystrophy, type 2J; MUSCULAR DYSTROPHY, LIMB-GIRDLE, AUTOSOMAL RECESSIVE 10. Identifiers: Orphanet 140922, MedGen C1837342, MONDO:0012127, OMIM 608807.

Allele frequency attached by ClinVar (database versions not stated): gnomAD exomes below 0.00001; ExAC 0.00001; gnomAD 0.00001; TOPMed 0.00001.
gnomAD v4.1: 3 of 1,613,828 alleles (0.00019%); highest among the groups gnomAD compares: Non-Finnish European, 0.00025%; no homozygotes.

Submissions (3):

GeneDx
Classification: Uncertain significance. Last evaluated: 2017-01-10. Review status: criteria provided, single submitter. Criteria: GeneDx Variant Classification (06012015). Collection method: clinical testing. Allele origin: germline. Affected: yes.
Comment: Missense variants in the TTN gene are considered 'unclassified' if they are not previously reported in the literature and do not have >1% frequency in the population to be considered a polymorphism. Research indicates that truncating mutations in the TTN gene are expected to account for approximately 25% of familial and 18% of sporadic idiopathic DCM; however, truncating variants in the TTN gene have been reported in approximately 3% of reported control alleles. There has been little investigation into non-truncating variants. (Herman D et al. Truncations of titin causing dilated cardiomyopathy. N Eng J Med 366:619-628, 2012) The variant is found in CARDIOMYOPATHY panel(s).

Labcorp Genetics (formerly Invitae), Labcorp
Classification: Uncertain significance for Dilated cardiomyopathy 1G; Autosomal recessive limb-girdle muscular dystrophy type 2J. Last evaluated: 2016-10-10. Review status: criteria provided, single submitter. Criteria: Invitae Variant Classification Sherloc (09022015). Collection method: clinical testing. Allele origin: germline.

Laboratory for Molecular Medicine, Mass General Brigham Personalized Medicine
Classification: Uncertain significance. Last evaluated: 2014-07-10. Review status: criteria provided, single submitter. Criteria: LMM Criteria. Collection method: clinical testing. Allele origin: germline. Observed: 1 variant allele.
Comment: The Lys31285Glu variant in TTN has not been previously reported in individuals w ith cardiomyopathy or in large population studies. Computational prediction tool s and conservation analysis do not provide strong support for or against an impa ct to the protein. In summary, the clinical significance of the Lys31285Glu vari ant is uncertain.